The following is an entry in ClinVar:

NM_033124.5(DRC2):c.816A>G (p.Ile272Met)

Gene: DRC2 (dynein regulatory complex subunit 2; plus strand). Cytogenetic location: 12q13.12.
Variant type: single nucleotide variant.
Coding change: c.816A>G on transcript NM_033124.5 (MANE Select); coding-DNA position 816, A replaced by G.
Protein change: p.Ile272Met; replaces isoleucine 272 with methionine.
Molecular consequence: missense variant.
Genome position (GRCh38, 1-based): chr12:48,918,693, A>G. VCF-style: chr12-48918693-A-G. GRCh37 (hg19) VCF-style: chr12-49312476-A-G.
Other names: c.387A>G, p.Ile129Met (NM_001286957.2); short protein forms I129M, I272M.
Identifiers: ClinVar variation 1351969 (VCV001351969.6), dbSNP rs1448195838, ClinGen allele CA384630606.
Genomic context (GRCh38, chr12:48,918,693, plus strand): 5'-AAGACCCTCAGTTGGTCAAGTAGATTTCCCCTAATCTACTCTGTTCCTCTAGGATGCCAT[A>G]ACTATTTCAAAAGGCAAGATCATGATACACAGCCGTGAGAGTGAAGATGAGAACCGGTAT-3'
Protein context (NP_149115.2, residues 262-282): MKKIQKLQDA[Ile272Met]TISKGKIMIH

ClinVar aggregate classification (germline): Uncertain significance (1 of 4 stars; one submission).

Conditions:
Primary ciliary dyskinesia 27. Also called: CILIARY DYSKINESIA, PRIMARY, 27, WITHOUT SITUS INVERSUS. Identifiers: Orphanet 244, MedGen C3809701, MONDO:0014215, OMIM 615504.

Submission:

Labcorp Genetics (formerly Invitae), Labcorp
Classification: Uncertain significance for Primary ciliary dyskinesia 27. Last evaluated: 2025-01-13. Review status: criteria provided, single submitter. Criteria: Invitae Variant Classification Sherloc (09022015). Collection method: clinical testing. Allele origin: germline.
Comment: This sequence change replaces isoleucine, which is neutral and non-polar, with methionine, which is neutral and non-polar, at codon 272 of the CCDC65 protein (p.Ile272Met). This variant is not present in population databases (gnomAD no frequency). This variant has not been reported in the literature in individuals affected with CCDC65-related conditions. ClinVar contains an entry for this variant (Variation ID: 1351969). An algorithm developed to predict the effect of missense changes on protein structure and function (PolyPhen-2) suggests that this variant is likely to be disruptive. In summary, the available evidence is currently insufficient to determine the role of this variant in disease. Therefore, it has been classified as a Variant of Uncertain Significance.